The following is an entry in ClinVar:

ClinVar aggregate classification (germline): Pathogenic (1 of 4 stars; one submission).

gnomAD v4.1: 1 of 1,207,340 alleles (0.000083%); highest among the groups gnomAD compares: Non-Finnish European, 0.00011%; no homozygotes.

Submission:

GeneDx
Classification: Pathogenic. Last evaluated: 2024-12-22. Review status: criteria provided, single submitter. Criteria: GeneDx Variant Classification Process June 2021. Collection method: clinical testing. Allele origin: germline. Affected: yes.
Comment: In silico analysis supports that this missense variant has a deleterious effect on protein structure/function; Not observed at significant frequency in large population cohorts (gnomAD); Has not been previously published as pathogenic or benign to our knowledge; This variant is associated with the following publications: (PMID: 20473311)

NM_001111125.3(IQSEC2):c.1105C>T (p.Arg369Trp)

Gene: IQSEC2 (IQ motif and Sec7 domain ArfGEF 2; minus strand). Cytogenetic location: Xp11.22.
Variant type: single nucleotide variant.
Coding change: c.1105C>T on transcript NM_001111125.3 (MANE Select); coding-DNA position 1105, C replaced by T.
Protein change: p.Arg369Trp; replaces arginine 369 with tryptophan.
Molecular consequence: missense variant.
Genome position (GRCh38, 1-based): chrX:53,254,826, G>A on the plus strand (C>T on the coding strand, the complement: IQSEC2 is on the minus strand). VCF-style: chrX-53254826-G-A. GRCh37 (hg19) VCF-style: chrX-53284008-G-A.
Other names: c.1105C>T, p.Arg369Trp (NM_001410736.1); c.490C>T, p.Arg164Trp (NM_015075.2); short protein forms R164W, R369W.
Identifiers: ClinVar variation 3906464 (VCV003906464.1).